The following is an entry in ClinVar:

NM_138694.4(PKHD1):c.10319T>A (p.Val3440Asp)

Gene: PKHD1 (PKHD1 ciliary IPT domain containing fibrocystin/polyductin; minus strand). Cytogenetic location: 6p12.3.
Variant type: single nucleotide variant.
Coding change: c.10319T>A on transcript NM_138694.4 (MANE Select); coding-DNA position 10319, T replaced by A.
Protein change: p.Val3440Asp; replaces valine 3440 with aspartic acid.
Molecular consequence: missense variant.
Genome position (GRCh38, 1-based): chr6:51,659,807, A>T on the plus strand (T>A on the coding strand, the complement: PKHD1 is on the minus strand). VCF-style: chr6-51659807-A-T. GRCh37 (hg19) VCF-style: chr6-51524605-A-T.
Other names: short protein forms V3440D.
Identifiers: ClinVar variation 557171 (VCV000557171.33), dbSNP rs756792624, ClinGen allele CA3851104.
Genomic context (GRCh38, chr6:51,659,807, plus strand): 5'-TAGAAAGTAGACACTGACCCAGAAGTAGAGCAGGGAATATTGGCATTTACACTGCTAAAG[A>T]CATCAACAAAACCACTAGTCACAGATACAACTGGATATAACTTCTGAATTGCCCAAATGG-3'
Protein context (NP_619639.3, residues 3430-3450): VVSVTSGFVD[Val3440Asp]FSSVNANIPC

ClinVar aggregate classification (germline): Conflicting classifications of pathogenicity. Review status: criteria provided, conflicting classifications (1 of 4 stars). 5 submissions from 5 submitters: Likely pathogenic (1); Uncertain significance (2). 2 of the submissions do not count toward it. Last evaluated 2025-07-23.

Conditions:
PKHD1-related disorder. Also called: PKHD1-related condition.
Polycystic kidney disease 4 (PKD4). Also called: Autosomal Recessive Polycystic Kidney Disease – PKHD1; PKD3; POLYCYSTIC KIDNEY DISEASE 4 WITH OR WITHOUT POLYCYSTIC LIVER DISEASE; POLYCYSTIC KIDNEY AND HEPATIC DISEASE 1; POLYCYSTIC KIDNEY DISEASE, INFANTILE, TYPE I. Identifiers: MedGen C4540575, MONDO:0033004, OMIM 263200.
Autosomal dominant polycystic liver disease. Also called: Polycystic liver disease; Congenital cystic disease of liver. Identifiers: Orphanet 2924, MedGen C0158683, MONDO:0000447, HP:0006557.

Allele frequency attached by ClinVar (database versions not stated): gnomAD exomes below 0.00001; TOPMed below 0.00001; ExAC 0.00001.
gnomAD v4.1: 4 of 1,613,854 alleles (0.00025%); highest among the groups gnomAD compares: Non-Finnish European, 0.00034%; no homozygotes.

Submissions (5):

PreventionGenetics, part of Exact Sciences
Classification: Likely pathogenic for PKHD1-related condition. Last evaluated: 2025-07-23. Review status: criteria provided, single submitter. Criteria: ACMG Guidelines, 2015. Collection method: clinical testing. Allele origin: germline.
Comment: The PKHD1 c.10319T>A variant is predicted to result in the amino acid substitution p.Val3440Asp. This variant has been reported with other pathogenic PKHD1 variants in individuals with congenital hepatic fibrosis or autosomal recessive polycystic kidney disease (ARPKD) (Sharp et al. 2005. PubMed ID: 15805161; Gunay-Aygun et al. 2009. PubMed ID: 19914852; Internal Data, PreventionGenetics). This variant is reported in 0.00088% of alleles in individuals of European (non-Finnish) descent in gnomAD. This variant is interpreted as likely pathogenic.

Fulgent Genetics
Classification: Uncertain significance for Polycystic kidney disease 4. Last evaluated: 2024-02-26. Review status: criteria provided, single submitter. Criteria: ACMG Guidelines, 2015. Collection method: clinical testing. Allele origin: germline.

Blueprint Genetics
Classification: Uncertain significance. Last evaluated: 2019-11-18. Review status: criteria provided, single submitter. Criteria: ACMG Guidelines, 2015. Collection method: clinical testing. Allele origin: germline.

Laboratory of Gastroenterology and Hepatology, Radboud University Medical Center
Classification: Likely benign for Autosomal dominant polycystic liver disease. Last evaluated: 2021-09-01. Review status: no assertion criteria provided. Collection method: research. Allele origin: germline. Affected: yes. Not counted in ClinVar's aggregate classification.

Counsyl
Classification: Uncertain significance for Polycystic kidney disease 4. Last evaluated: 2018-03-12. Review status: no assertion criteria provided. Collection method: clinical testing. Allele origin: unknown. Not counted in ClinVar's aggregate classification.

Literature cited by the submitters: PubMed 12874454 (cited by Counsyl); PubMed 19914852 (cited by Counsyl); PubMed 15805161 (cited by Counsyl).